The following is an entry in ClinVar:

ClinVar aggregate classification (germline): Uncertain significance. Review status: criteria provided, multiple submitters, no conflicts (2 of 4 stars). 2 submissions from 2 submitters: Uncertain significance (2). Last evaluated 2022-02-23.

Conditions:
Meckel-Gruber syndrome. Also called: Dysencephalia splachnocystica; DYSENCEPHALIA SPLANCHNOCYSTICA; GRUBER SYNDROME. Identifiers: Orphanet 564, MedGen C0265215, MONDO:0018921.
Joubert syndrome. Also called: Familial aplasia of the vermis; JOUBERT-BOLTSHAUSER SYNDROME. Identifiers: Orphanet 475, MedGen C5979921, MONDO:0018772.
Meckel syndrome, type 6. Identifiers: Orphanet 564, MedGen C2676790, MONDO:0012848, OMIM 612284.

Allele frequency attached by ClinVar (database versions not stated): gnomAD 0.00003 and 0.00004; TOPMed 0.00003; gnomAD exomes 0.00006; ExAC 0.00014.
gnomAD v4.1: 42 of 1,596,120 alleles (0.0026%); highest among the groups gnomAD compares: Non-Finnish European, 0.0018%; no homozygotes.

Submissions (2):

Labcorp Genetics (formerly Invitae), Labcorp
Classification: Uncertain significance for Joubert syndrome; Meckel-Gruber syndrome. Last evaluated: 2022-02-23. Review status: criteria provided, single submitter. Criteria: Invitae Variant Classification Sherloc (09022015). Collection method: clinical testing. Allele origin: germline.
Comment: This sequence change replaces valine, which is neutral and non-polar, with isoleucine, which is neutral and non-polar, at codon 181 of the CC2D2A protein (p.Val181Ile). This variant is present in population databases (rs745646755, gnomAD 0.03%). This variant has not been reported in the literature in individuals affected with CC2D2A-related conditions. ClinVar contains an entry for this variant (Variation ID: 968182). Algorithms developed to predict the effect of missense changes on protein structure and function (SIFT, PolyPhen-2, Align-GVGD) all suggest that this variant is likely to be tolerated. Algorithms developed to predict the effect of sequence changes on RNA splicing suggest that this variant may disrupt the consensus splice site. In summary, the available evidence is currently insufficient to determine the role of this variant in disease. Therefore, it has been classified as a Variant of Uncertain Significance.

Neuberg Centre For Genomic Medicine, NCGM
Classification: Uncertain significance for Meckel syndrome, type 6. Review status: criteria provided, single submitter. Criteria: ACMG Guidelines, 2015. Collection method: clinical testing. Allele origin: germline. Inheritance: Autosomal recessive inheritance. Affected: yes.
Comment: The missense variant in c.541G>A (p.Val181Ile) in CC2D2A gene has not been reported previously as a pathogenic variant nor as a benign variant, to our knowledge. The p.Val181Ile variant is reported with the allele frequency of 0.007004% in gnomAD and is novel (not in any individuals) in 1000 Genomes. This variant has been reported to the ClinVar database as uncertain significance. The amino acid Val at position 181 is changed to a Ile changing protein sequence and it might alter its composition and physico-chemical properties. In silico tools predict the variant to be tolerated. The residue is conserved across species. The amino acid change p.Val181Ile in CC2D2A is predicted as conserved by GERP++ and PhyloP across 100 vertebrates.For these reasons, this variant has been classified as Uncertain Significance.

NM_001378615.1(CC2D2A):c.541G>A (p.Val181Ile)

Genes: CC2D2A (coiled-coil and C2 domain containing 2A; plus strand), FBXL5 (F-box and leucine rich repeat protein 5; minus strand). Cytogenetic location: 4p15.32.
Variant type: single nucleotide variant.
Coding change: c.541G>A on transcript NM_001378615.1 (MANE Select); coding-DNA position 541, G replaced by A.
Protein change: p.Val181Ile; replaces valine 181 with isoleucine.
Molecular consequence: missense variant.
Genome position (GRCh38, 1-based): chr4:15,511,247, G>A. VCF-style: chr4-15511247-G-A. GRCh37 (hg19) VCF-style: chr4-15512870-G-A.
Other names: c.541G>A, p.Val181Ile (NM_001080522.2); c.394G>A, p.Val132Ile (NM_001378617.1); short protein forms V181I, V132I.
Identifiers: ClinVar variation 968182 (VCV000968182.7), dbSNP rs745646755, ClinGen allele CA2863438.
Genomic context (GRCh38, chr4:15,511,247, plus strand): 5'-GTGCAGAGCGCATTACAGCTTATAAATGGGAAATTGCGATTGCTCCTTGCTTTTCGTTAG[G>A]TTCCACCTGGCTTCCCTTCTGCAGAAGAGGCCTATAACTTCTTTACTTTCAACTTTGATC-3'
Protein context (NP_001365544.1, residues 171-191): SARKIKPKPQ[Val181Ile]PPGFPSAEEA